The following is an entry in ClinVar:

NM_000146.4(FTL):c.-139C>T

Gene: FTL (ferritin light chain; plus strand). Cytogenetic location: 19q13.33.
Variant type: single nucleotide variant.
Coding change: c.-139C>T on transcript NM_000146.4 (MANE Select); 139 bases upstream of the start codon, C replaced by T.
Molecular consequence: 5 prime UTR variant.
Genome position (GRCh38, 1-based): chr19:48,965,369, C>T. VCF-style: chr19-48965369-C-T. GRCh37 (hg19) VCF-style: chr19-49468626-C-T.
Identifiers: ClinVar variation 1063581 (VCV001063581.7), dbSNP rs2122429898, ClinGen allele CA2499225537.

ClinVar aggregate classification (germline): Uncertain significance (1 of 4 stars; one submission).

Conditions:
Hereditary hyperferritinemia with congenital cataracts. Also called: HYPERFERRITINEMIA WITH OR WITHOUT CATARACT; Hereditary hyperferritinemia cataract syndrome; Bonneau-Beaumont syndrome. Identifiers: Orphanet 163, MedGen C1833213, MONDO:0010952, OMIM 600886.
Neuroferritinopathy (NBIA3). Also called: BASAL GANGLIA DISEASE, ADULT-ONSET; NEURODEGENERATION WITH BRAIN IRON ACCUMULATION 3. Identifiers: Orphanet 157846, MedGen C1853578, MONDO:0011638, OMIM 606159.

Submission:

Labcorp Genetics (formerly Invitae), Labcorp
Classification: Uncertain significance for Neuroferritinopathy; Hereditary hyperferritinemia with congenital cataracts. Last evaluated: 2024-05-29. Review status: criteria provided, single submitter. Criteria: Invitae Variant Classification Sherloc (09022015). Collection method: clinical testing. Allele origin: germline.
Comment: This variant occurs in a non-coding region of the FTL gene. It does not change the encoded amino acid sequence of the FTL protein. This variant is not present in population databases (gnomAD no frequency). This variant has not been reported in the literature in individuals affected with FTL-related conditions. ClinVar contains an entry for this variant (Variation ID: 1063581). Experimental studies and prediction algorithms are not available or were not evaluated, and the functional significance of this variant is currently unknown. In summary, the available evidence is currently insufficient to determine the role of this variant in disease. Therefore, it has been classified as a Variant of Uncertain Significance.